The following is an entry in ClinVar:

ClinVar aggregate classification (germline): Likely pathogenic (1 of 4 stars; one submission).

Conditions:
Kleefstra syndrome 1 (KLEFS1). Identifiers: Orphanet 261494, MedGen C0795833, MONDO:0027407, OMIM 610253.

Submission:

3billion
Classification: Likely pathogenic for Kleefstra syndrome 1. Last evaluated: 2024-06-14. Review status: criteria provided, single submitter. Criteria: ACMG Guidelines, 2015. Collection method: clinical testing. Allele origin: germline. Affected: yes.
Comment: The variant is not observed in the gnomAD v4.0.0 dataset. Predicted Consequence/Location: Stop-gained (nonsense): predicted to result in a loss or disruption of normal protein function through nonsense-mediated decay (NMD) or protein truncation. Multiple pathogenic variants are reported downstream of the variant. Therefore, this variant is classified as Likely pathogenic according to the recommendation of ACMG/AMP guideline.

NM_024757.5(EHMT1):c.2416C>T (p.Gln806Ter)

Gene: EHMT1 (euchromatic histone lysine methyltransferase 1; plus strand). Cytogenetic location: 9q34.3.
Variant type: single nucleotide variant.
Coding change: c.2416C>T on transcript NM_024757.5 (MANE Select); coding-DNA position 2416, C replaced by T.
Protein change: p.Gln806Ter; replaces glutamine 806 with a stop codon.
Molecular consequence: nonsense.
Genome position (GRCh38, 1-based): chr9:137,790,881, C>T. VCF-style: chr9-137790881-C-T. GRCh37 (hg19) VCF-style: chr9-140685333-C-T.
Other names: c.2323C>T, p.Gln775Ter (NM_001354259.2); c.2395C>T, p.Gln799Ter (NM_001354263.2); short protein forms Q775*, Q799*, Q806*.
Identifiers: ClinVar variation 4293532 (VCV004293532.1).